The following is an entry in ClinVar:

NM_001365951.3(KIF1B):c.4630A>G (p.Ser1544Gly)

Gene: KIF1B (kinesin family member 1B; plus strand). Cytogenetic location: 1p36.22.
Variant type: single nucleotide variant.
Coding change: c.4630A>G on transcript NM_001365951.3 (MANE Select); coding-DNA position 4630, A replaced by G.
Protein change: p.Ser1544Gly; replaces serine 1544 with glycine.
Molecular consequence: missense variant.
Genome position (GRCh38, 1-based): chr1:10,365,526, A>G. VCF-style: chr1-10365526-A-G. GRCh37 (hg19) VCF-style: chr1-10425584-A-G.
Other names: c.4630A>G, p.Ser1544Gly (NM_001365952.1); c.4492A>G, p.Ser1498Gly (NM_015074.3); short protein forms S1498G, S1544G.
Identifiers: ClinVar variation 1740976 (VCV001740976.3), dbSNP rs772308679, ClinGen allele CA582138.

ClinVar aggregate classification (germline): Uncertain significance (1 of 4 stars; one submission).

Allele frequency attached by ClinVar (database versions not stated): ExAC 0.00001.

Submission:

Ambry Genetics
Classification: Uncertain significance. Last evaluated: 2024-11-25. Review status: criteria provided, single submitter. Criteria: Ambry Variant Classification Scheme 2023. Collection method: clinical testing. Allele origin: germline.
Comment: The p.S1498G variant (also known as c.4492A>G), located in coding exon 40 of the KIF1B gene, results from an A to G substitution at nucleotide position 4492. The serine at codon 1498 is replaced by glycine, an amino acid with similar properties. This amino acid position is highly conserved in available vertebrate species. In addition, the in silico prediction for this alteration is inconclusive. The evidence for this gene-disease relationship is limited; therefore, the clinical significance of this alteration is unclear.